The following is an entry in ClinVar:

ClinVar aggregate classification (germline): Uncertain significance (1 of 4 stars; one submission).

Submission:

Athena Diagnostics
Classification: Uncertain significance. Last evaluated: 2024-08-20. Review status: criteria provided, single submitter. Criteria: Athena Diagnostics Criteria. Collection method: clinical testing. Allele origin: unknown.
Comment: Available data are insufficient to determine the clinical significance of the variant at this time. This variant has not been reported in large, multi-ethnic general populations. Polyphen and MutationTaster yielded discordant predictions regarding whether this amino acid change is damaging to the protein.

NM_000334.4(SCN4A):c.2831T>A (p.Phe944Tyr)

Genes: GH-LCR (growth hormone locus control region; plus strand), SCN4A (sodium voltage-gated channel alpha subunit 4; minus strand). Cytogenetic location: 17q23.3.
Variant type: single nucleotide variant.
Coding change: c.2831T>A on transcript NM_000334.4 (MANE Select); coding-DNA position 2831, T replaced by A.
Protein change: p.Phe944Tyr; replaces phenylalanine 944 with tyrosine.
Molecular consequence: missense variant.
Genome position (GRCh38, 1-based): chr17:63,951,446, A>T on the plus strand (T>A on the coding strand, the complement: SCN4A is on the minus strand). VCF-style: chr17-63951446-A-T. GRCh37 (hg19) VCF-style: chr17-62028806-A-T.
Other names: short protein forms F944Y.
Identifiers: ClinVar variation 3571680 (VCV003571680.1).
Genomic context (GRCh38, chr17:63,951,446, plus strand): 5'-TTGAAGCCGGGTCTGTCTGAGCCCCAGCCCCGGCTCACCTTGCTATCCTCAGGCTCTGAG[A>T]AAGTGTCGGTTTCCTCCTCGGTGGGCATCTCCAGGTCGGACTCCTCGGAGGCGATGGGCA-3'
Protein context (NP_000325.4, residues 934-954): EMPTEEETDT[Phe944Tyr]SEPEDSKKPP